The following is an entry in ClinVar:

NM_000051.4(ATM):c.5497-1G>C

Gene: ATM (ATM serine/threonine kinase; plus strand). Cytogenetic location: 11q22.3.
Variant type: single nucleotide variant.
Coding change: c.5497-1G>C on transcript NM_000051.4 (MANE Select); the canonical splice acceptor site of the intron before coding-DNA position 5497, G replaced by C.
Molecular consequence: splice acceptor variant.
Genome position (GRCh38, 1-based): chr11:108,304,674, G>C. VCF-style: chr11-108304674-G-C. GRCh37 (hg19) VCF-style: chr11-108175401-G-C.
Other names: c.5497-1G>C (NM_001351834.2).
Identifiers: ClinVar variation 4865989 (VCV004865989.1).

ClinVar aggregate classification (germline): Likely pathogenic (1 of 4 stars; one submission).

Conditions:
Hereditary cancer-predisposing syndrome. Also called: Neoplastic Syndromes, Hereditary; Tumor predisposition; Hereditary Cancer Syndrome; Hereditary neoplastic syndrome. Identifiers: Orphanet 140162, MedGen C0027672, MeSH D009386, MONDO:0015356.

Submission:

Ambry Genetics
Classification: Likely pathogenic for Hereditary cancer-predisposing syndrome. Last evaluated: 2026-03-18. Review status: criteria provided, single submitter. Criteria: Ambry Variant Classification Scheme 2023. Collection method: clinical testing. Allele origin: germline.
Comment: The c.5497-1G>C intronic variant results from a G to C substitution one nucleotide upstream from coding exon 36 of the ATM gene. Alterations impacting this acceptor site at c.5497-1G>A and c.5497-2A>G have been reported in individuals with features consistent with ataxia-telangiectasia (Teraoka et al. Am. J. Hum. Genet. 1999 Jun;64(6):1617-31; Suspitsin E et al. Eur J Med Genet, 2020 Jan;63:103630; Kuzmenko N et al. J Clin Immunol, 2024 Jul;44:165). This nucleotide position is highly conserved in available vertebrate species. In silico splice site analysis predicts that this alteration will weaken the native splice acceptor site and may result in the creation or strengthening of a novel splice acceptor site. RNA studies have demonstrated that this variant results in abnormal splicing in the set of samples tested (Ambry internal data). Alterations that disrupt the canonical splice site are expected to cause aberrant splicing, resulting in an abnormal protein or a transcript that is subject to nonsense-mediated mRNA decay. As such, this alteration is classified as likely pathogenic.